The following is an entry in ClinVar:

NM_000038.6(APC):c.474T>A (p.Tyr158Ter)

Gene: APC (APC regulator of Wnt signaling pathway; plus strand). Cytogenetic location: 5q22.2.
Variant type: single nucleotide variant.
Coding change: c.474T>A on transcript NM_000038.6 (MANE Select); coding-DNA position 474, T replaced by A.
Protein change: p.Tyr158Ter; replaces tyrosine 158 with a stop codon.
Molecular consequence: nonsense. On other transcripts: 5 prime UTR variant (1).
Genome position (GRCh38, 1-based): chr5:112,775,680, T>A. VCF-style: chr5-112775680-T-A. GRCh37 (hg19) VCF-style: chr5-112111377-T-A.
Other names: c.474T>A, p.Tyr158Ter (NM_001127510.3, NM_001354895.2, NM_001354896.2 and 2 more transcripts); c.504T>A, p.Tyr168Ter (NM_001127511.3, NM_001354897.2, NM_001354902.2); c.399T>A, p.Tyr133Ter (NM_001354898.2, NM_001354904.2); c.297T>A, p.Tyr99Ter (NM_001354900.2, NM_001354901.2, NM_001354905.2); c.-562T>A (NM_001354906.2); short protein forms Y168*, Y158*, Y99*, Y133*.
Identifiers: ClinVar variation 1451731 (VCV001451731.8), dbSNP rs1060504891, ClinGen allele CA16022359.

ClinVar aggregate classification (germline): Pathogenic (1 of 4 stars; one submission).

Conditions:
Familial adenomatous polyposis 1 (FAP1). Also called: FAMILIAL ADENOMATOUS POLYPOSIS 1, ATTENUATED; POLYPOSIS, ADENOMATOUS INTESTINAL. Identifiers: MedGen C2713442, MONDO:0021056, OMIM 175100. Disease mechanism: loss of function.

Submission:

Labcorp Genetics (formerly Invitae), Labcorp
Classification: Pathogenic for Familial adenomatous polyposis 1. Last evaluated: 2022-08-31. Review status: criteria provided, single submitter. Criteria: Invitae Variant Classification Sherloc (09022015). Collection method: clinical testing. Allele origin: germline.
Comment: For these reasons, this variant has been classified as Pathogenic. Algorithms developed to predict the effect of sequence changes on RNA splicing suggest that this variant may disrupt the consensus splice site. ClinVar contains an entry for this variant (Variation ID: 1451731). This premature translational stop signal has been observed in individual(s) with familial adenomatous polyposis (PMID: 20685668). This variant is not present in population databases (gnomAD no frequency). This sequence change creates a premature translational stop signal (p.Tyr158*) in the APC gene. It is expected to result in an absent or disrupted protein product. Loss-of-function variants in APC are known to be pathogenic (PMID: 17963004, 20685668).

Literature cited by the submitters: PubMed 20685668; PubMed 17963004.